The following is an entry in ClinVar:

NM_001374828.1(ARID1B):c.6559C>T (p.Gln2187Ter)

Gene: ARID1B (AT-rich interaction domain 1B; plus strand). Cytogenetic location: 6q25.3.
Variant type: single nucleotide variant.
Coding change: c.6559C>T on transcript NM_001374828.1 (MANE Select); coding-DNA position 6559, C replaced by T.
Protein change: p.Gln2187Ter; replaces glutamine 2187 with a stop codon.
Molecular consequence: nonsense.
Genome position (GRCh38, 1-based): chr6:157,207,331, C>T. VCF-style: chr6-157207331-C-T. GRCh37 (hg19) VCF-style: chr6-157528465-C-T.
Other names: c.6310C>T, p.Gln2104Ter (NM_001346813.1); c.4060C>T, p.Gln1354Ter (NM_001363725.2); c.6439C>T, p.Gln2147Ter (NM_001371656.1, NM_001374820.1); c.6400C>T, p.Gln2134Ter (NM_017519.3); c.6190C>T, p.Gln2064Ter (NM_020732.3); c.5977C>T, p.Gln1993Ter (NM_175863.2); short protein forms Q1354*, Q1993*, Q2064*, Q2104*, Q2134*, Q2147*, Q2187*.
Identifiers: ClinVar variation 2443520 (VCV002443520.1), dbSNP rs1554237963, ClinGen allele CA366248550.

ClinVar aggregate classification (germline): Pathogenic (1 of 4 stars; one submission).

Submission:

GeneDx
Classification: Pathogenic. Last evaluated: 2022-09-09. Review status: criteria provided, single submitter. Criteria: GeneDx Variant Classification Process June 2021. Collection method: clinical testing. Allele origin: germline. Affected: yes.
Comment: Nonsense variant predicted to result in protein truncation, as the last 186 amino acids are lost, and other loss-of-function variants have been reported downstream in HGMD; Not observed at significant frequency in large population cohorts (gnomAD); This variant is associated with the following publications: (PMID: 31530938)